The following is an entry in ClinVar:

ClinVar aggregate classification (germline): Uncertain significance. Review status: criteria provided, multiple submitters, no conflicts (2 of 4 stars). 2 submissions from 2 submitters: Uncertain significance (2). Last evaluated 2023-02-09.

Conditions:
Brugada syndrome 8 (BRGDA8). Identifiers: Orphanet 130, MedGen C2751083, MONDO:0013148, OMIM 613123.
Cardiovascular phenotype. Identifiers: MedGen CN230736.

Allele frequency attached by ClinVar (database versions not stated): gnomAD exomes below 0.00001.
gnomAD v4.1: 2 of 1,463,492 alleles (0.00014%); highest among the groups gnomAD compares: Non-Finnish European, 0.00018%; no homozygotes.

Submissions (2):

Labcorp Genetics (formerly Invitae), Labcorp
Classification: Uncertain significance for Brugada syndrome 8. Last evaluated: 2023-02-09. Review status: criteria provided, single submitter. Criteria: Invitae Variant Classification Sherloc (09022015). Collection method: clinical testing. Allele origin: germline.
Comment: This sequence change replaces threonine, which is neutral and polar, with isoleucine, which is neutral and non-polar, at codon 1071 of the HCN4 protein (p.Thr1071Ile). This variant is not present in population databases (gnomAD no frequency). This variant has not been reported in the literature in individuals affected with HCN4-related conditions. ClinVar contains an entry for this variant (Variation ID: 1728957). Advanced modeling of protein sequence and biophysical properties (such as structural, functional, and spatial information, amino acid conservation, physicochemical variation, residue mobility, and thermodynamic stability) performed at Invitae indicates that this missense variant is not expected to disrupt HCN4 protein function. In summary, the available evidence is currently insufficient to determine the role of this variant in disease. Therefore, it has been classified as a Variant of Uncertain Significance.

Ambry Genetics
Classification: Uncertain significance for Cardiovascular phenotype. Last evaluated: 2022-04-19. Review status: criteria provided, single submitter. Criteria: Ambry Variant Classification Scheme 2023. Collection method: clinical testing. Allele origin: germline.
Comment: The p.T1071I variant (also known as c.3212C>T), located in coding exon 8 of the HCN4 gene, results from a C to T substitution at nucleotide position 3212. The threonine at codon 1071 is replaced by isoleucine, an amino acid with similar properties. This amino acid position is conserved. In addition, the in silico prediction for this alteration is inconclusive. Since supporting evidence is limited at this time, the clinical significance of this alteration remains unclear.

NM_005477.3(HCN4):c.3212C>T (p.Thr1071Ile)

Gene: HCN4 (hyperpolarization activated cyclic nucleotide gated potassium channel 4; minus strand). Cytogenetic location: 15q24.1.
Variant type: single nucleotide variant.
Coding change: c.3212C>T on transcript NM_005477.3 (MANE Select); coding-DNA position 3212, C replaced by T.
Protein change: p.Thr1071Ile; replaces threonine 1071 with isoleucine.
Molecular consequence: missense variant.
Genome position (GRCh38, 1-based): chr15:73,322,881, G>A on the plus strand (C>T on the coding strand, the complement: HCN4 is on the minus strand). VCF-style: chr15-73322881-G-A. GRCh37 (hg19) VCF-style: chr15-73615222-G-A.
Other names: short protein forms T1071I.
Identifiers: ClinVar variation 1728957 (VCV001728957.6), dbSNP rs2549068117, ClinGen allele CA393086000.